The following is an entry in ClinVar:

ClinVar aggregate classification (germline): Uncertain significance. Review status: criteria provided, multiple submitters, no conflicts (2 of 4 stars). 3 submissions from 3 submitters: Uncertain significance (3). Last evaluated 2024-10-06.

Conditions:
Inborn genetic diseases. Identifiers: MedGen C0950123, MeSH D030342.
Retinitis pigmentosa 12 (RP12). Also called: RP WITH OR WITHOUT PPRPE; RP WITH OR WITHOUT PRESERVED PARAARTERIOLE RETINAL PIGMENT EPITHELIUM; RETINITIS PIGMENTOSA WITH OR WITHOUT PARAARTERIOLAR PRESERVATION OF RETINAL PIGMENT EPITHELIUM. Identifiers: Orphanet 791, MedGen C1838647, MONDO:0010818, OMIM 600105.
Leber congenital amaurosis 8 (LCA8). Identifiers: Orphanet 65, MedGen C3151202, MONDO:0013453, OMIM 613835.

Allele frequency attached by ClinVar (database versions not stated): TOPMed 0.00001; ExAC 0.00002; gnomAD 0.00002.
gnomAD v4.1: 104 of 1,614,072 alleles (0.0064%); highest among the groups gnomAD compares: Non-Finnish European, 0.0083%; 1 homozygote.

Submissions (3):

Ambry Genetics
Classification: Uncertain significance for Inborn genetic diseases. Last evaluated: 2024-10-06. Review status: criteria provided, single submitter. Criteria: Ambry Variant Classification Scheme 2023. Collection method: clinical testing. Allele origin: germline.

Labcorp Genetics (formerly Invitae), Labcorp
Classification: Uncertain significance for Leber congenital amaurosis 8; Retinitis pigmentosa 12. Last evaluated: 2022-09-08. Review status: criteria provided, single submitter. Criteria: Invitae Variant Classification Sherloc (09022015). Collection method: clinical testing. Allele origin: germline.
Comment: This sequence change replaces serine, which is neutral and polar, with asparagine, which is neutral and polar, at codon 527 of the CRB1 protein (p.Ser527Asn). This variant is present in population databases (rs760919218, gnomAD 0.006%). This variant has not been reported in the literature in individuals affected with CRB1-related conditions. Advanced modeling of protein sequence and biophysical properties (such as structural, functional, and spatial information, amino acid conservation, physicochemical variation, residue mobility, and thermodynamic stability) performed at Invitae indicates that this missense variant is not expected to disrupt CRB1 protein function. In summary, the available evidence is currently insufficient to determine the role of this variant in disease. Therefore, it has been classified as a Variant of Uncertain Significance.

Blueprint Genetics
Classification: Uncertain significance. Last evaluated: 2020-10-26. Review status: criteria provided, single submitter. Criteria: ACMG Guidelines, 2015. Collection method: clinical testing. Allele origin: germline.

NM_201253.3(CRB1):c.1580G>A (p.Ser527Asn)

Gene: CRB1 (crumbs cell polarity complex component 1; plus strand). Cytogenetic location: 1q31.3.
Variant type: single nucleotide variant.
Coding change: c.1580G>A on transcript NM_201253.3 (MANE Select); coding-DNA position 1580, G replaced by A.
Protein change: p.Ser527Asn; replaces serine 527 with asparagine.
Molecular consequence: missense variant. On other transcripts: non-coding transcript variant (2).
Genome position (GRCh38, 1-based): chr1:197,421,408, G>A. VCF-style: chr1-197421408-G-A. GRCh37 (hg19) VCF-style: chr1-197390538-G-A.
Other names: c.1244G>A, p.Ser415Asn (NM_001193640.2); c.1373G>A, p.Ser458Asn (NM_001257965.2); c.1580G>A, p.Ser527Asn (NM_001257966.2); c.1580G>A (NM_201253.2); short protein forms S415N, S458N, S527N.
Identifiers: ClinVar variation 2041245 (VCV002041245.3), dbSNP rs760919218, ClinGen allele CA1311936.